The following is an entry in ClinVar:

NM_176869.3(PPA2):c.757G>C (p.Ala253Pro)

Gene: PPA2 (inorganic pyrophosphatase 2; minus strand). Cytogenetic location: 4q24.
Variant type: single nucleotide variant.
Coding change: c.757G>C on transcript NM_176869.3 (MANE Select); coding-DNA position 757, G replaced by C.
Protein change: p.Ala253Pro; replaces alanine 253 with proline.
Molecular consequence: missense variant.
Genome position (GRCh38, 1-based): chr4:105,399,063, C>G on the plus strand (G>C on the coding strand, the complement: PPA2 is on the minus strand). VCF-style: chr4-105399063-C-G. GRCh37 (hg19) VCF-style: chr4-106320220-C-G.
Other names: c.670G>C, p.Ala224Pro (NM_006903.4); c.451G>C, p.Ala151Pro (NM_176866.2); c.259G>C, p.Ala87Pro (NM_176867.3); short protein forms A151P, A224P, A253P, A87P.
Identifiers: ClinVar variation 4531916 (VCV004531916.1).

ClinVar aggregate classification (germline): Uncertain significance (1 of 4 stars; one submission).

Conditions:
Sudden cardiac failure, infantile (SCFI). Identifiers: MedGen C4310664, MONDO:0014973, OMIM 617222.

Submission:

Victorian Clinical Genetics Services, Murdoch Childrens Research Institute
Classification: Uncertain significance for Sudden cardiac failure, infantile. Last evaluated: 2025-05-22. Review status: criteria provided, single submitter. Criteria: ACMG Guidelines, 2015. Collection method: clinical testing. Allele origin: germline. Affected: yes.
Comment: This variant is classified as VUS-3B. Evidence in support of pathogenic classification: Variant is absent from gnomAD (v2, v3 and v4). Additional information: Variant is predicted to result in a missense amino acid change from alanine to proline; This variant is heterozygous; This gene is associated with autosomal recessive disease; Alternative amino acid change(s) at the same position are present in gnomAD (Highest allele count: v4: 1 heterozygote(s), 0 homozygote(s)); This variant has no previous evidence of pathogenicity; No published segregation evidence has been identified for this variant; No published functional evidence has been identified for this variant; No comparable missense variants have previous evidence for pathogenicity; Variant is located in the annotated pyrophosphatase domain (DECIPHER); Missense variant with inconclusive in silico prediction and uninformative conservation; Loss of function is a known mechanism of disease in this gene and is associated with sudden cardiac failure, infantile (MIM#617222); Inheritance information for this variant is not currently available in this individual.